The following is an entry in ClinVar:

ClinVar aggregate classification (germline): Uncertain significance (1 of 4 stars; one submission).

Conditions:
RFX6-related disorder. Also called: RFX6-related condition.

Submission:

PreventionGenetics, part of Exact Sciences
Classification: Uncertain significance for RFX6-related condition. Last evaluated: 2026-08-04. Review status: criteria provided, single submitter. Criteria: ACMG Guidelines, 2015. Collection method: clinical testing. Allele origin: germline.
Comment: The RFX6 c.1750G>T variant is predicted to result in the amino acid substitution p.Val584Phe. To our knowledge, this variant has not been reported in the literature or in a large population database (gnomAD), indicating this variant is rare. At this time, the clinical significance of this variant is uncertain due to the absence of conclusive functional and genetic evidence.

NM_173560.4(RFX6):c.1750G>T (p.Val584Phe)

Genes: RFX6 (regulatory factor X6; plus strand), LOC126859771 (BRD4-independent group 4 enhancer GRCh37_chr6:117246147-117247346; plus strand). Cytogenetic location: 6q22.1.
Variant type: single nucleotide variant.
Coding change: c.1750G>T on transcript NM_173560.4 (MANE Select); coding-DNA position 1750, G replaced by T.
Protein change: p.Val584Phe; replaces valine 584 with phenylalanine.
Molecular consequence: missense variant.
Genome position (GRCh38, 1-based): chr6:116,925,524, G>T. VCF-style: chr6-116925524-G-T. GRCh37 (hg19) VCF-style: chr6-117246687-G-T.
Other names: short protein forms V584F.
Identifiers: ClinVar variation 4990961 (VCV004990961.1).